The following is an entry in ClinVar:

ClinVar aggregate classification (germline): Uncertain significance (1 of 4 stars; one submission).

gnomAD v4.1: 7 of 1,613,898 alleles (0.00043%); highest among the groups gnomAD compares: Non-Finnish European, 0.00059%; no homozygotes.

Submission:

GeneDx
Classification: Uncertain significance. Last evaluated: 2024-06-02. Review status: criteria provided, single submitter. Criteria: GeneDx Variant Classification Process June 2021. Collection method: clinical testing. Allele origin: germline. Affected: yes.
Comment: Not observed at significant frequency in large population cohorts (gnomAD); Has not been previously published as pathogenic or benign to our knowledge; In-silico analysis is inconclusive as to whether the variant impacts protein structure/function. In the absence of functional studies, the actual effect of this sequence change is unknown; This variant is associated with the following publications: (PMID: 22982744)

NM_001365902.3(NFIX):c.1433A>T (p.Asn478Ile)

Gene: NFIX (nuclear factor I X; plus strand). Cytogenetic location: 19p13.13.
Variant type: single nucleotide variant.
Coding change: c.1433A>T on transcript NM_001365902.3 (MANE Select); coding-DNA position 1433, A replaced by T.
Protein change: p.Asn478Ile; replaces asparagine 478 with isoleucine.
Molecular consequence: missense variant.
Genome position (GRCh38, 1-based): chr19:13,090,329, A>T. VCF-style: chr19-13090329-A-T. GRCh37 (hg19) VCF-style: chr19-13201143-A-T.
Other names: c.1457A>T, p.Asn486Ile (NM_001271043.2); c.1261A>T, p.Thr421Ser (NM_001271044.3); c.1162A>T, p.Thr388Ser (NM_001365982.2); c.1144A>T, p.Thr382Ser (NM_001365983.2); c.1430A>T, p.Asn477Ile (NM_001365984.2); c.1282A>T, p.Thr428Ser (NM_001365985.2); c.1409A>T, p.Asn470Ile (NM_001378404.1); c.1481A>T, p.Asn494Ile (NM_001378405.1); and 1 more; short protein forms N470I, N477I, N478I, N486I, N494I, T382S, T388S, T421S.
Identifiers: ClinVar variation 3383639 (VCV003383639.1).
Genomic context (GRCh38, chr19:13,090,329, plus strand): 5'-GTCTCTCCCTCTCTCCCCTGCTCCCCACAGCATTCGCAACGACAGGCGCCTCCTCTGCCA[A>T]CCGGTTTGTCAGCATCGGACCCCGGGACGGCAACTTTCTGAACATCCCACAGCAGTCTCA-3'
Protein context (NP_001352831.1, residues 468-488): SFATTGASSA[Asn478Ile]RFVSIGPRDG